The following is an entry in ClinVar:

ClinVar aggregate classification (germline): Conflicting classifications of pathogenicity. Review status: criteria provided, conflicting classifications (1 of 4 stars). 4 submissions from 4 submitters: Uncertain significance (3); Likely benign (1). Last evaluated 2025-05-29.

Conditions:
Inborn genetic diseases. Identifiers: MedGen C0950123, MeSH D030342.
Early-infantile DEE. Also called: Ohtahara syndrome; Early infantile epileptic encephalopathy; Early infantile epileptic encephalopathy with suppression bursts. Identifiers: Orphanet 1934, MedGen C0393706, MONDO:0800491.

Allele frequency attached by ClinVar (database versions not stated): gnomAD exomes below 0.00001 and 0.00001; ExAC 0.00002; gnomAD 0.00002; TOPMed 0.00003; ESP Exome Variant Server 0.00008.
gnomAD v4.1: 5 of 1,613,972 alleles (0.00031%); highest among the groups gnomAD compares: African/African-American, 0.004%; no homozygotes.

Submissions (4):

Labcorp Genetics (formerly Invitae), Labcorp
Classification: Likely benign for Early-infantile DEE. Last evaluated: 2025-05-29. Review status: criteria provided, single submitter. Criteria: Invitae Variant Classification Sherloc (09022015). Collection method: clinical testing. Allele origin: germline.

Ambry Genetics
Classification: Uncertain significance for Inborn genetic diseases. Last evaluated: 2025-02-27. Review status: criteria provided, single submitter. Criteria: Ambry Variant Classification Scheme 2023. Collection method: clinical testing. Allele origin: germline.

GeneDx
Classification: Uncertain significance. Last evaluated: 2022-06-14. Review status: criteria provided, single submitter. Criteria: GeneDx Variant Classification Process June 2021. Collection method: clinical testing. Allele origin: germline. Affected: yes.
Comment: Missense variants in this gene are often considered pathogenic (HGMD); In silico analysis supports that this missense variant has a deleterious effect on protein structure/function; Has not been previously published as pathogenic or benign to our knowledge; This substitution is predicted to be within the cytoplasmic loop between the first and second homologous domains

Eurofins Ntd Llc (ga)
Classification: Uncertain significance. Last evaluated: 2017-11-01. Review status: criteria provided, single submitter. Criteria: EGL Classification Definitions 2015. Collection method: clinical testing. Allele origin: germline. Observed: 1 variant allele, 1 heterozygote.

NM_001165963.4(SCN1A):c.1988C>T (p.Pro663Leu)

Gene: SCN1A (sodium voltage-gated channel alpha subunit 1; minus strand). Cytogenetic location: 2q24.3.
Variant type: single nucleotide variant.
Coding change: c.1988C>T on transcript NM_001165963.4 (MANE Select); coding-DNA position 1988, C replaced by T.
Protein change: p.Pro663Leu; replaces proline 663 with leucine.
Molecular consequence: missense variant. On other transcripts: 5 prime UTR variant (1), non-coding transcript variant (1), intron variant (4).
Genome position (GRCh38, 1-based): chr2:166,043,724, G>A on the plus strand (C>T on the coding strand, the complement: SCN1A is on the minus strand). VCF-style: chr2-166043724-G-A. GRCh37 (hg19) VCF-style: chr2-166900234-G-A.
Other names: c.1988C>T, p.Pro663Leu (NM_001202435.3, NM_001353948.2, NM_001353949.2 and 4 more transcripts); c.1985C>T, p.Pro662Leu (NM_001353954.2, NM_001353955.2); c.-438C>T (NM_001353961.2); c.1959+29C>T (NM_001353958.2, NM_001353957.2, NM_001165964.3); c.1956+29C>T (NM_001353960.2); short protein forms P663L, P662L.
Identifiers: ClinVar variation 392868 (VCV000392868.12), dbSNP rs370481828, ClinGen allele CA1943223.